The following is an entry in ClinVar:

NM_001166108.2(PALLD):c.2050C>G (p.Leu684Val)

Gene: PALLD (palladin, cytoskeletal associated protein; plus strand). Cytogenetic location: 4q32.3.
Variant type: single nucleotide variant.
Coding change: c.2050C>G on transcript NM_001166108.2 (MANE Select); coding-DNA position 2050, C replaced by G.
Protein change: p.Leu684Val; replaces leucine 684 with valine.
Molecular consequence: missense variant. On other transcripts: 5 prime UTR variant (4).
Genome position (GRCh38, 1-based): chr4:168,891,007, C>G. VCF-style: chr4-168891007-C-G. GRCh37 (hg19) VCF-style: chr4-169812158-C-G.
Other names: c.904C>G, p.Leu302Val (NM_001166109.2); c.589C>G, p.Leu197Val (NM_001166110.2); c.-72C>G (NM_001367567.1, NM_001367568.1, NM_001367569.1 and 1 more transcripts); c.2050C>G, p.Leu684Val (NM_016081.4); short protein forms L197V, L302V, L684V.
Identifiers: ClinVar variation 1785067 (VCV001785067.2), dbSNP rs2533587725, ClinGen allele CA358797238.
Genomic context (GRCh38, chr4:168,891,007, plus strand): 5'-ACTGCTAGAATAGCCTCCGATGAGGAAATTCAAGGCACAAAGGATGCTGTTATTCAAGAC[C>G]TGGAACGAAAACTTCGCTTCAAGGAGGACCTCCTGAACAATGGCCAGCCGGTACTGATAG-3'
Protein context (NP_001159580.1, residues 674-694): QGTKDAVIQD[Leu684Val]ERKLRFKEDL

ClinVar aggregate classification (germline): Uncertain significance (1 of 4 stars; one submission).

Submission:

Ambry Genetics
Classification: Uncertain significance. Last evaluated: 2022-02-05. Review status: criteria provided, single submitter. Criteria: Ambry Variant Classification Scheme 2023. Collection method: clinical testing. Allele origin: germline.
Comment: The p.L684V variant (also known as c.2050C>G), located in coding exon 10 of the PALLD gene, results from a C to G substitution at nucleotide position 2050. The leucine at codon 684 is replaced by valine, an amino acid with highly similar properties. This amino acid position is conserved. In addition, the in silico prediction for this alteration is inconclusive. Since supporting evidence is limited at this time, the clinical significance of this alteration remains unclear.